The following is an entry in ClinVar:

NM_001378030.1(CCDC78):c.61-16G>A

Gene: CCDC78 (coiled-coil domain containing 78; minus strand). Cytogenetic location: 16p13.3.
Variant type: single nucleotide variant.
Coding change: c.61-16G>A on transcript NM_001378030.1 (MANE Select); 16 bases into the intron before coding-DNA position 61, G replaced by A.
Molecular consequence: intron variant. On other transcripts: non-coding transcript variant (1).
Genome position (GRCh38, 1-based): chr16:726,101, C>T on the plus strand (G>A on the coding strand, the complement: CCDC78 is on the minus strand). VCF-style: chr16-726101-C-T. GRCh37 (hg19) VCF-style: chr16-776101-C-T.
Other names: c.-225-16G>A (NM_001378033.1); c.61-16G>A (NM_001378031.1, NM_001031737.3).
Identifiers: ClinVar variation 3015419 (VCV003015419.3), dbSNP rs1265035981, ClinGen allele CA620309349.

ClinVar aggregate classification (germline): Uncertain significance (1 of 4 stars; one submission).

Conditions:
Congenital myopathy with internal nuclei and atypical cores. Also called: Myopathy, centronuclear, 4. Identifiers: Orphanet 319160, MedGen C4707232, MONDO:0013890, OMIM 614807.

Allele frequency attached by ClinVar (database versions not stated): gnomAD exomes below 0.00001; TOPMed 0.00001.

Submission:

Labcorp Genetics (formerly Invitae), Labcorp
Classification: Uncertain significance for Congenital myopathy with internal nuclei and atypical cores. Last evaluated: 2023-05-29. Review status: criteria provided, single submitter. Criteria: Invitae Variant Classification Sherloc (09022015). Collection method: clinical testing. Allele origin: germline.
Comment: This sequence change falls in intron 1 of the CCDC78 gene. It does not directly change the encoded amino acid sequence of the CCDC78 protein. This variant is not present in population databases (gnomAD no frequency). This variant has not been reported in the literature in individuals affected with CCDC78-related conditions. Algorithms developed to predict the effect of sequence changes on RNA splicing suggest that this variant may create or strengthen a splice site. In summary, the available evidence is currently insufficient to determine the role of this variant in disease. Therefore, it has been classified as a Variant of Uncertain Significance.